The following is an entry in ClinVar:

ClinVar aggregate classification (germline): Uncertain significance (1 of 4 stars; one submission).

Submission:

GeneDx
Classification: Uncertain significance. Last evaluated: 2025-07-30. Review status: criteria provided, single submitter. Criteria: GeneDx Variant Classification Process June 2021. Collection method: clinical testing. Allele origin: germline. Affected: yes.
Comment: Not observed at significant frequency in large population cohorts (gnomAD); In silico analysis suggests that this missense variant does not alter protein structure/function; Has not been previously published as pathogenic or benign to our knowledge

NM_001792.5(CDH2):c.744G>C (p.Glu248Asp)

Gene: CDH2 (cadherin 2; minus strand). Cytogenetic location: 18q12.1.
Variant type: single nucleotide variant.
Coding change: c.744G>C on transcript NM_001792.5 (MANE Select); coding-DNA position 744, G replaced by C.
Protein change: p.Glu248Asp; replaces glutamic acid 248 with aspartic acid.
Molecular consequence: missense variant.
Genome position (GRCh38, 1-based): chr18:28,005,952, C>G on the plus strand (G>C on the coding strand, the complement: CDH2 is on the minus strand). VCF-style: chr18-28005952-C-G. GRCh37 (hg19) VCF-style: chr18-25585916-C-G.
Other names: c.651G>C, p.Glu217Asp (NM_001308176.2); short protein forms E217D, E248D.
Identifiers: ClinVar variation 4689962 (VCV004689962.1).